The following is an entry in ClinVar:

NM_000256.3(MYBPC3):c.*3_*4del

Gene: MYBPC3 (myosin binding protein C3; minus strand). Cytogenetic location: 11p11.2.
Variant type: Deletion.
Coding change: c.*3_*4del on transcript NM_000256.3 (MANE Select); 3 bases downstream of the stop codon through 4 bases downstream of the stop codon, 2 bases deleted (AG; older notation c.*3_*4delAG).
Molecular consequence: 3 prime UTR variant.
Genome position (GRCh38, 1-based): chr11:47,331,867-47,331,868, CT deleted on the plus strand (AG on the coding strand, the reverse complement: MYBPC3 is on the minus strand). VCF-style (leftmost placement, unchanged base first): chr11-47331866-CCT-C. GRCh37 (hg19) VCF-style: chr11-47353417-CCT-C.
Identifiers: ClinVar variation 4758583 (VCV004758583.1).

ClinVar aggregate classification (germline): Uncertain significance (1 of 4 stars; one submission).

Conditions:
Cardiomyopathy (CMYO). Also called: Cardiomyopathies. Identifiers: Orphanet 167848, MedGen C0878544, MONDO:0004994, HP:0001638. Inheritance: Various modes of inheritance.

Submission:

Color Diagnostics, LLC DBA Color Health
Classification: Uncertain significance for Cardiomyopathy. Last evaluated: 2025-06-23. Review status: criteria provided, single submitter. Criteria: ACMG Guidelines, 2015. Collection method: clinical testing. Allele origin: germline.
Comment: This variant is located in the 3' untranslated region of the MYBPC3 gene. To our knowledge, functional studies have not been reported for this variant. This variant has not been reported in individuals affected with MYBPC3-related disorders in the literature. This variant has not been identified in the general population by the Genome Aggregation Database (gnomAD). The available evidence is insufficient to determine the role of this variant in disease conclusively. Therefore, this variant is classified as a Variant of Uncertain Significance.